The following is an entry in ClinVar:

ClinVar aggregate classification (germline): Uncertain significance. Review status: criteria provided, multiple submitters, no conflicts (2 of 4 stars). 2 submissions from 2 submitters: Uncertain significance (2). Last evaluated 2025-08-05.

Conditions:
Intellectual developmental disorder, autosomal dominant 1. Also called: MBD5 Haploinsufficiency; Intellectual disability, autosomal dominant 1. Identifiers: Orphanet 228402, MedGen C1969562, MONDO:0007974, OMIM 156200.

gnomAD v4.1: 1 of 1,614,148 alleles (0.000062%); highest among the groups gnomAD compares: Admixed American, 0.0017%; no homozygotes.

Submissions (2):

Dasa
Classification: Uncertain significance. Last evaluated: 2025-08-05. Review status: criteria provided, single submitter. Criteria: DASA Assertion Criteria. Collection method: clinical testing. Allele origin: germline.
Comment: NM_001378120.1(MBD5):c.3805C>T (p.Pro1269Ser) is a missense variant that results in the substitution of proline with serine. This variant is rare in population databases. Computational prediction algorithms are consistent with a benign effect. The currently available literature and clinical evidence are not sufficient to establish a definitive association between this variant and the reported condition. Therefore, this variant is classified as a variant of uncertain significance.

Labcorp Genetics (formerly Invitae), Labcorp
Classification: Uncertain significance for Intellectual developmental disorder, autosomal dominant 1. Last evaluated: 2025-01-13. Review status: criteria provided, single submitter. Criteria: Invitae Variant Classification Sherloc (09022015). Collection method: clinical testing. Allele origin: germline.
Comment: This sequence change replaces proline, which is neutral and non-polar, with serine, which is neutral and polar, at codon 1036 of the MBD5 protein (p.Pro1036Ser). This variant is not present in population databases (gnomAD no frequency). This variant has not been reported in the literature in individuals affected with MBD5-related conditions. Invitae Evidence Modeling of protein sequence and biophysical properties (such as structural, functional, and spatial information, amino acid conservation, physicochemical variation, residue mobility, and thermodynamic stability) indicates that this missense variant is not expected to disrupt MBD5 protein function with a negative predictive value of 80%. In summary, the available evidence is currently insufficient to determine the role of this variant in disease. Therefore, it has been classified as a Variant of Uncertain Significance.

NM_001378120.1(MBD5):c.3805C>T (p.Pro1269Ser)

Gene: MBD5 (methyl-CpG binding domain protein 5; plus strand). Cytogenetic location: 2q23.1.
Variant type: single nucleotide variant.
Coding change: c.3805C>T on transcript NM_001378120.1 (MANE Select); coding-DNA position 3805, C replaced by T.
Protein change: p.Pro1269Ser; replaces proline 1269 with serine.
Molecular consequence: missense variant.
Genome position (GRCh38, 1-based): chr2:148,489,437, C>T. VCF-style: chr2-148489437-C-T. GRCh37 (hg19) VCF-style: chr2-149247006-C-T.
Other names: c.3106C>T, p.Pro1036Ser (NM_018328.5); short protein forms P1036S, P1269S.
Identifiers: ClinVar variation 3703730 (VCV003703730.4).